The following is an entry in ClinVar:

NM_000245.4(MET):c.625C>T (p.His209Tyr)

Gene: MET (MET proto-oncogene, receptor tyrosine kinase; plus strand). Cytogenetic location: 7q31.2.
Variant type: single nucleotide variant.
Coding change: c.625C>T on transcript NM_000245.4 (MANE Select); coding-DNA position 625, C replaced by T.
Protein change: p.His209Tyr; replaces histidine 209 with tyrosine.
Molecular consequence: missense variant. On other transcripts: intron variant (1).
Genome position (GRCh38, 1-based): chr7:116,699,709, C>T. VCF-style: chr7-116699709-C-T. GRCh37 (hg19) VCF-style: chr7-116339763-C-T.
Other names: c.625C>T, p.His209Tyr (NM_001127500.3, NM_001324401.3); c.-91+27132C>T (NM_001324402.2); short protein forms H209Y.
Identifiers: ClinVar variation 1013952 (VCV001013952.10), dbSNP rs866183824, ClinGen allele CA164888709.

ClinVar aggregate classification (germline): Conflicting classifications of pathogenicity. Review status: criteria provided, conflicting classifications (1 of 4 stars). 2 submissions from 2 submitters: Uncertain significance (1); Likely benign (1). Last evaluated 2024-10-29.

Conditions:
Renal cell carcinoma. Identifiers: Orphanet 217071, MedGen C0007134, MeSH D002292, MONDO:0005086, HP:0005584.
Hereditary cancer-predisposing syndrome. Also called: Hereditary Cancer Syndrome; Tumor predisposition; Neoplastic Syndromes, Hereditary; Hereditary neoplastic syndrome. Identifiers: Orphanet 140162, MedGen C0027672, MeSH D009386, MONDO:0015356.

Allele frequency attached by ClinVar (database versions not stated): gnomAD exomes 0.00001.

Submissions (2):

Ambry Genetics
Classification: Likely benign for Hereditary cancer-predisposing syndrome. Last evaluated: 2024-10-29. Review status: criteria provided, single submitter. Criteria: Ambry Variant Classification Scheme 2023. Collection method: clinical testing. Allele origin: germline.

Labcorp Genetics (formerly Invitae), Labcorp
Classification: Uncertain significance for Renal cell carcinoma. Last evaluated: 2024-04-16. Review status: criteria provided, single submitter. Criteria: Invitae Variant Classification Sherloc (09022015). Collection method: clinical testing. Allele origin: germline.
Comment: This sequence change replaces histidine, which is basic and polar, with tyrosine, which is neutral and polar, at codon 209 of the MET protein (p.His209Tyr). This variant is present in population databases (no rsID available, gnomAD 0.002%). This variant has not been reported in the literature in individuals affected with MET-related conditions. ClinVar contains an entry for this variant (Variation ID: 1013952). Advanced modeling of protein sequence and biophysical properties (such as structural, functional, and spatial information, amino acid conservation, physicochemical variation, residue mobility, and thermodynamic stability) performed at Invitae indicates that this missense variant is not expected to disrupt MET protein function with a negative predictive value of 80%. In summary, the available evidence is currently insufficient to determine the role of this variant in disease. Therefore, it has been classified as a Variant of Uncertain Significance.